The following is an entry in ClinVar:

ClinVar aggregate classification (germline): Uncertain significance (1 of 4 stars; one submission).
ClinVar aggregate classification (somatic clinical impact): Tier I - Strong. Review status: criteria provided, single submitter (1 of 4 stars). 2 submissions from 1 submitter. 1 of the submissions does not count toward it. Last evaluated 2024-02-09.

Conditions:
Medulloblastoma WNT activated. Identifiers: MedGen C4331965, MONDO:0850196.
oligodendroglioma, 1p 19q codeleted.

gnomAD v4.1: 1 of 1,613,560 alleles (0.000062%); no homozygotes.

Submissions (3):

GeneDx
Classification: Uncertain significance. Last evaluated: 2025-06-04. Review status: criteria provided, single submitter. Criteria: GeneDx Variant Classification Process June 2021. Collection method: clinical testing. Allele origin: germline. Affected: yes.
Comment: Published functional studies suggest a damaging effect: reduced levels of phosphorylated ATP-citrate lyase, cell proliferation, and clonogenicity compared to wild type (PMID: 25277207); In silico analysis supports that this missense variant has a deleterious effect on protein structure/function; Not observed at significant frequency in large population cohorts (gnomAD); This variant is associated with the following publications: (PMID: 28278156, 26017892, 22072542, 32029440, 25277207)

Institute for Genomic Medicine (IGM) Clinical Laboratory, Nationwide Children's Hospital
Classification: Tier I - Strong for oligodendroglioma, 1p 19q codeleted. Assertion type: diagnostic. Clinical significance: supports diagnosis. Last evaluated: 2024-02-09. Review status: criteria provided, single submitter. Criteria: AMP/ASCO/CAP Guidelines, 2017. Collection method: clinical testing. Allele origin: somatic. Affected: yes.
Comment: Variant has Tier I (strong) clinical significance as a diagnostic inclusion criterion in oligodendroglioma, 1p 19q codeleted, based on the following evidence: 1) Documented in one or more cancer databases (e.g., St. Jude Pecan, COSMIC, CIViC, OncoKB). 2) Appears in one or more well-established professional guidelines (e.g., World Health Organization [WHO]; National Comprehensive Cancer Network [NCCN]) as providing diagnostic, prognostic, or therapeutic information. 3) Information in the literature supports potential biologic effect of variant (PMID: 28278156). 4) Diagnostic for a specific tumor type/classification based on well-powered studies with expert-level consensus (Evidence Level B; PMIDs: 21817013, 22072542, 22588899, 26017892).

Institute for Genomic Medicine (IGM) Clinical Laboratory, Nationwide Children's Hospital
Classification: Tier II - Potential for Medulloblastoma WNT activated. Assertion type: diagnostic. Clinical significance: supports diagnosis. Last evaluated: 2023-06-26. Review status: criteria provided, single submitter. Criteria: AMP/ASCO/CAP Guidelines, 2017. Collection method: clinical testing. Allele origin: somatic. Affected: yes. Not counted in ClinVar's aggregate classification.
Comment: Variant has Tier II (potential) clinical significance as a diagnostic inclusion criterion in medulloblastoma WNT activated, based on the following evidence: 1) Documented in one or more cancer databases (e.g., St. Jude Pecan, COSMIC, CIViC, OncoKB). 2) Information in the literature supports potential biologic effect of variant (PMID: 28278156). 3) Assists in diagnosis alone or along with other biomarkers based on small studies or few case reports (Evidence Level D; PMIDs: 21817013, 22072542, 22588899).

Literature cited by the submitters: PubMed 28278156 (cited by Institute for Genomic Medicine (IGM) Clinical Laboratory, Nationwide Children's Hospital); PubMed 21817013 (cited by Institute for Genomic Medicine (IGM) Clinical Laboratory, Nationwide Children's Hospital); PubMed 22072542 (cited by Institute for Genomic Medicine (IGM) Clinical Laboratory, Nationwide Children's Hospital); PubMed 22588899 (cited by Institute for Genomic Medicine (IGM) Clinical Laboratory, Nationwide Children's Hospital); PubMed 26017892 (cited by Institute for Genomic Medicine (IGM) Clinical Laboratory, Nationwide Children's Hospital).

NM_001386298.1(CIC):c.3328C>T (p.Arg1110Trp)

Gene: CIC (capicua transcriptional repressor; plus strand). Cytogenetic location: 19q13.2.
Variant type: single nucleotide variant.
Coding change: c.3328C>T on transcript NM_001386298.1 (MANE Select); coding-DNA position 3328, C replaced by T.
Protein change: p.Arg1110Trp; replaces arginine 1110 with tryptophan.
Molecular consequence: missense variant.
Genome position (GRCh38, 1-based): chr19:42,287,563, C>T. VCF-style: chr19-42287563-C-T. GRCh37 (hg19) VCF-style: chr19-42791715-C-T.
Other names: c.3328C>T, p.Arg1110Trp (NM_001439186.1, NM_001439187.1, NM_001439188.1 and 6 more transcripts); c.601C>T, p.Arg201Trp (NM_001439189.1, NM_001439190.1, NM_001439191.1 and 3 more transcripts); c.601C>T (NM_015125.3); short protein forms R1110W, R201W.
Identifiers: ClinVar variation 4530106 (VCV004530106.2).